The following is an entry in ClinVar:

ClinVar aggregate classification (germline): Uncertain significance. Review status: criteria provided, multiple submitters, no conflicts (2 of 4 stars). 2 submissions from 2 submitters: Uncertain significance (2). Last evaluated 2025-04-12.

Conditions:
Inborn genetic diseases. Identifiers: MedGen C0950123, MeSH D030342.
Pigmentary pallidal degeneration (NBIA1). Also called: Pantothenate Kinase-Associated Neurodegeneration; Neuroaxonal dystrophy, late infantile; Hallervorden-Spatz disease; Neurodegeneration with brain iron accumulation 1; HARP SYNDROME; PKAN NEUROAXONAL DYSTROPHY, JUVENILE-ONSET. Identifiers: Orphanet 157850, MedGen C0018523, MONDO:0009319, OMIM 234200.

Allele frequency attached by ClinVar (database versions not stated): TOPMed 0.00002; ExAC below 0.00001; gnomAD 0.00002 and 0.00003; gnomAD exomes 0.00004.
gnomAD v4.1: 29 of 1,565,072 alleles (0.0019%); highest among the groups gnomAD compares: East Asian, 0.0071%; no homozygotes.

Submissions (2):

Ambry Genetics
Classification: Uncertain significance for Inborn genetic diseases. Last evaluated: 2025-04-12. Review status: criteria provided, single submitter. Criteria: Ambry Variant Classification Scheme 2023. Collection method: clinical testing. Allele origin: germline.

Labcorp Genetics (formerly Invitae), Labcorp
Classification: Uncertain significance for Pigmentary pallidal degeneration. Last evaluated: 2024-12-16. Review status: criteria provided, single submitter. Criteria: Invitae Variant Classification Sherloc (09022015). Collection method: clinical testing. Allele origin: germline.
Comment: This sequence change replaces tryptophan, which is neutral and slightly polar, with arginine, which is basic and polar, at codon 13 of the PANK2 protein (p.Trp13Arg). This variant is present in population databases (no rsID available, gnomAD 0.01%). This variant has not been reported in the literature in individuals affected with PANK2-related conditions. ClinVar contains an entry for this variant (Variation ID: 646103). Invitae Evidence Modeling of protein sequence and biophysical properties (such as structural, functional, and spatial information, amino acid conservation, physicochemical variation, residue mobility, and thermodynamic stability) indicates that this missense variant is not expected to disrupt PANK2 protein function with a negative predictive value of 95%. In summary, the available evidence is currently insufficient to determine the role of this variant in disease. Therefore, it has been classified as a Variant of Uncertain Significance.

NM_153638.4(PANK2):c.37T>C (p.Trp13Arg)

Genes: PANK2 (pantothenate kinase 2; plus strand), PANK2-AS1 (PANK2 antisense RNA 1; minus strand). Cytogenetic location: 20p13.
Variant type: single nucleotide variant.
Coding change: c.37T>C on transcript NM_153638.4; coding-DNA position 37, T replaced by C.
Protein change: p.Trp13Arg; replaces tryptophan 13 with arginine.
Molecular consequence: missense variant. On other transcripts: intron variant (1).
Genome position (GRCh38, 1-based): chr20:3,889,137, T>C. VCF-style: chr20-3889137-T-C. GRCh37 (hg19) VCF-style: chr20-3869784-T-C.
Other names: c.37T>C, p.Trp13Arg (NM_001324192.1); c.-246+233T>C (NM_024960.6); short protein forms W13R.
Identifiers: ClinVar variation 646103 (VCV000646103.8), dbSNP rs971003044, ClinGen allele CA9750460.